The following is an entry in ClinVar:

NM_000179.3(MSH6):c.2177T>C (p.Phe726Ser)

Gene: MSH6 (mutS homolog 6; plus strand). Cytogenetic location: 2p16.3.
Variant type: single nucleotide variant.
Coding change: c.2177T>C on transcript NM_000179.3 (MANE Select); coding-DNA position 2177, T replaced by C.
Protein change: p.Phe726Ser; replaces phenylalanine 726 with serine.
Molecular consequence: missense variant.
Genome position (GRCh38, 1-based): chr2:47,800,160, T>C. VCF-style: chr2-47800160-T-C. GRCh37 (hg19) VCF-style: chr2-48027299-T-C.
Other names: c.1787T>C, p.Phe596Ser (NM_001281492.2); c.1271T>C, p.Phe424Ser (NM_001281493.2, NM_001281494.2); short protein forms F596S, F726S, F424S.
Identifiers: ClinVar variation 820821 (VCV000820821.13), dbSNP rs574358605, ClinGen allele CA346751197.
Genomic context (GRCh38, chr2:47,800,160, plus strand): 5'-TTGAAGAATATATTCCCTTGGATTCTGACACAGTCAGCACTACAAGATCTGGTGCTATCT[T>C]CACCAAAGCCTATCAACGAATGGTGCTAGATGCAGTGACATTAAACAACTTGGAGATTTT-3'
Protein context (NP_000170.1, residues 716-736): TVSTTRSGAI[Phe726Ser]TKAYQRMVLD

ClinVar aggregate classification (germline): Conflicting classifications of pathogenicity. Review status: criteria provided, conflicting classifications (1 of 4 stars). 3 submissions from 3 submitters: Uncertain significance (2); Benign (1). Last evaluated 2025-06-30.

Conditions:
Hereditary nonpolyposis colorectal neoplasms. Identifiers: MedGen C0009405, MeSH D003123.
Hereditary cancer-predisposing syndrome. Also called: Neoplastic Syndromes, Hereditary; Tumor predisposition; Hereditary Cancer Syndrome; Hereditary neoplastic syndrome. Identifiers: Orphanet 140162, MedGen C0027672, MeSH D009386, MONDO:0015356.

Allele frequency attached by ClinVar (database versions not stated): TOPMed 0.00001.
gnomAD v4.1: 1 of 1,614,104 alleles (0.000062%); highest among the groups gnomAD compares: East Asian, 0.0022%; no homozygotes.

Submissions (3):

Color Diagnostics, LLC DBA Color Health
Classification: Uncertain significance for Hereditary cancer-predisposing syndrome. Last evaluated: 2025-06-30. Review status: criteria provided, single submitter. Criteria: ACMG Guidelines, 2015. Collection method: clinical testing. Allele origin: germline.
Comment: This missense variant replaces phenylalanine with serine at codon 726 of the MSH6 protein. Computational prediction is inconclusive regarding the impact of this variant on protein structure and function. To our knowledge, functional studies have not been reported for this variant. This variant has not been reported in individuals affected with MSH6-related disorders in the literature. This variant has not been identified in the general population by the Genome Aggregation Database (gnomAD). The available evidence is insufficient to determine the role of this variant in disease conclusively. Therefore, this variant is classified as a Variant of Uncertain Significance.

Ambry Genetics
Classification: Uncertain significance for Hereditary cancer-predisposing syndrome. Last evaluated: 2025-05-28. Review status: criteria provided, single submitter. Criteria: Ambry Variant Classification Scheme 2023. Collection method: clinical testing. Allele origin: germline.
Comment: The p.F726S variant (also known as c.2177T>C), located in coding exon 4 of the MSH6 gene, results from a T to C substitution at nucleotide position 2177. The phenylalanine at codon 726 is replaced by serine, an amino acid with highly dissimilar properties. This amino acid position is highly conserved in available vertebrate species. In addition, this alteration is predicted to be deleterious by in silico analysis. Since supporting evidence is limited at this time, the clinical significance of this alteration remains unclear.

Labcorp Genetics (formerly Invitae), Labcorp
Classification: Benign for Hereditary nonpolyposis colorectal neoplasms. Last evaluated: 2025-05-05. Review status: criteria provided, single submitter. Criteria: Invitae Variant Classification Sherloc (09022015). Collection method: clinical testing. Allele origin: germline.